The following is an entry in ClinVar:

NM_001042492.3(NF1):c.3655G>A (p.Gly1219Arg)

Gene: NF1 (neurofibromin 1; plus strand). Cytogenetic location: 17q11.2.
Variant type: single nucleotide variant.
Coding change: c.3655G>A on transcript NM_001042492.3 (MANE Select); coding-DNA position 3655, G replaced by A.
Protein change: p.Gly1219Arg; replaces glycine 1219 with arginine.
Molecular consequence: missense variant.
Genome position (GRCh38, 1-based): chr17:31,233,160, G>A. VCF-style: chr17-31233160-G-A. GRCh37 (hg19) VCF-style: chr17-29560178-G-A.
Other names: c.3655G>A, p.Gly1219Arg (NM_000267.4); short protein forms G1219R.
Identifiers: ClinVar variation 1455051 (VCV001455051.11), dbSNP rs2067144197, ClinGen allele CA398990487.

ClinVar aggregate classification (germline): Pathogenic/Likely pathogenic. Review status: criteria provided, multiple submitters, no conflicts (2 of 4 stars). 3 submissions from 3 submitters: Pathogenic (2); Likely pathogenic (1). Last evaluated 2026-04-07.

Conditions:
Neurofibromatosis, type 1 (NF1). Also called: Neurofibromatosis, type I; VON RECKLINGHAUSEN DISEASE; NEUROFIBROMATOSIS, TYPE I, SOMATIC; Peripheral type neurofibromatosis. Identifiers: Orphanet 636, MedGen C0027831, MONDO:0018975, OMIM 162200. Disease mechanism: loss of function.
Hereditary cancer-predisposing syndrome. Also called: Tumor predisposition; Hereditary neoplastic syndrome; Neoplastic Syndromes, Hereditary; Hereditary Cancer Syndrome. Identifiers: Orphanet 140162, MedGen C0027672, MeSH D009386, MONDO:0015356.
Cardiovascular phenotype. Identifiers: MedGen CN230736.

Submissions (3):

GeneDx
Classification: Pathogenic. Last evaluated: 2026-04-07. Review status: criteria provided, single submitter. Criteria: GeneDx Variant Classification Process June 2021. Collection method: clinical testing. Allele origin: germline.
Comment: Published functional studies demonstrate a damaging effect: reduces RAS GAP activity and disrupts interaction with SPRED1 protein in comparison to wild-type (PMID: 40225167); Not observed at significant frequency in large population cohorts (gnomAD); In silico analysis supports that this missense variant has a deleterious effect on protein structure/function; This variant is associated with the following publications: (PMID: 25486365, 22807134, 40225167, 31573083)

Ambry Genetics
Classification: Likely pathogenic for Cardiovascular phenotype; Hereditary cancer-predisposing syndrome. Last evaluated: 2025-05-30. Review status: criteria provided, single submitter. Criteria: Ambry Variant Classification Scheme 2023. Collection method: clinical testing. Allele origin: germline.
Comment: The p.G1219R variant (also known as c.3655G>A), located in coding exon 27 of the NF1 gene, results from a G to A substitution at nucleotide position 3655. The glycine at codon 1219 is replaced by arginine, an amino acid with dissimilar properties. This variant was reported in individual(s) with features consistent with neurofibromatosis type 1 (NF1) (Ambry internal data; Castellanos E et al. Clin Genet, 2020 Feb;97:264-275). This amino acid position is highly conserved in available vertebrate species. In addition, this alteration is predicted to be deleterious by in silico analysis. This variant is considered to be rare based on population cohorts in the Genome Aggregation Database (gnomAD). Based on the majority of available evidence to date, this variant is likely to be pathogenic.

Labcorp Genetics (formerly Invitae), Labcorp
Classification: Pathogenic for Neurofibromatosis, type 1. Last evaluated: 2023-10-29. Review status: criteria provided, single submitter. Criteria: Invitae Variant Classification Sherloc (09022015). Collection method: clinical testing. Allele origin: germline.
Comment: This sequence change replaces glycine, which is neutral and non-polar, with arginine, which is basic and polar, at codon 1219 of the NF1 protein (p.Gly1219Arg). This variant is not present in population databases (gnomAD no frequency). This missense change has been observed in individual(s) with neurofibromatosis (PMID: 31573083). ClinVar contains an entry for this variant (Variation ID: 1455051). Advanced modeling of protein sequence and biophysical properties (such as structural, functional, and spatial information, amino acid conservation, physicochemical variation, residue mobility, and thermodynamic stability) performed at Invitae indicates that this missense variant is expected to disrupt NF1 protein function with a positive predictive value of 95%. This variant disrupts the p.Gly1219 amino acid residue in NF1. Other variant(s) that disrupt this residue have been observed in individuals with NF1-related conditions (PMID: 31573083; Invitae), which suggests that this may be a clinically significant amino acid residue. For these reasons, this variant has been classified as Pathogenic.

Literature cited by the submitters: PubMed 31573083 (cited by Ambry Genetics and Labcorp Genetics (formerly Invitae), Labcorp).